The following is an entry in ClinVar:

NM_000122.2(ERCC3):c.576_583del (p.Val193fs)

Gene: ERCC3 (ERCC excision repair 3, TFIIH core complex helicase subunit; minus strand). Cytogenetic location: 2q14.3.
Variant type: Deletion.
Coding change: c.576_583del on transcript NM_000122.2 (MANE Select); coding-DNA positions 576 to 583, 8 bases deleted (CGTGATCC; older notation c.576_583delCGTGATCC).
Protein change: p.Val193fs; shifts the reading frame from valine 193.
Molecular consequence: frameshift variant.
Genome position (GRCh38, 1-based): chr2:127,289,763-127,289,770, GGATCACG deleted on the plus strand (CGTGATCC on the coding strand, the reverse complement: ERCC3 is on the minus strand); deleting any 8 consecutive bases within chr2:127,289,763-127,289,772 gives the same sequence; the c. name uses the placement nearest the transcript's 3' end. VCF-style (leftmost placement, unchanged base first): chr2-127289762-CGGATCACG-C. GRCh37 (hg19) VCF-style: chr2-128047338-CGGATCACG-C.
Other names: c.384_391del, p.Val129fs (NM_001303416.2, NM_001303418.2); short protein forms V129fs, V193fs.
Identifiers: ClinVar variation 2982186 (VCV002982186.4), dbSNP rs766657138, ClinGen allele CA1858505.

ClinVar aggregate classification (germline): Pathogenic/Likely pathogenic. Review status: criteria provided, multiple submitters, no conflicts (2 of 4 stars). 2 submissions from 2 submitters: Pathogenic (1); Likely pathogenic (1). Last evaluated 2023-11-29.

Conditions:
ERCC3-related disorder. Also called: ERCC3-related condition.

Submissions (2):

Labcorp Genetics (formerly Invitae), Labcorp
Classification: Pathogenic. Last evaluated: 2023-11-29. Review status: criteria provided, single submitter. Criteria: Invitae Variant Classification Sherloc (09022015). Collection method: clinical testing. Allele origin: germline.
Comment: This sequence change creates a premature translational stop signal (p.Val193Argfs*8) in the ERCC3 gene. It is expected to result in an absent or disrupted protein product. Loss-of-function variants in ERCC3 are known to be pathogenic (PMID: 16947863). This variant is present in population databases (rs766657138, gnomAD 0.0009%). This variant has not been reported in the literature in individuals affected with ERCC3-related conditions. For these reasons, this variant has been classified as Pathogenic.

Blueprint Genetics
Classification: Likely pathogenic for ERCC3-related disorders. Last evaluated: 2022-07-24. Review status: criteria provided, single submitter. Criteria: ACMG Guidelines, 2015. Collection method: clinical testing. Allele origin: germline. Affected: yes. Observed: 1 variant allele.

Literature cited by the submitters: PubMed 16947863 (cited by Labcorp Genetics (formerly Invitae), Labcorp).